The following is an entry in ClinVar:

ClinVar aggregate classification (germline): Uncertain significance (1 of 4 stars; one submission).

Conditions:
Cystic fibrosis (CF). Also called: MUCOVISCIDOSIS. Identifiers: Orphanet 586, MedGen C0010674, MONDO:0009061, OMIM 219700. Disease mechanism: loss of function.

Submission:

Ambry Genetics
Classification: Uncertain significance for Cystic fibrosis. Last evaluated: 2024-07-01. Review status: criteria provided, single submitter. Criteria: Ambry Variant Classification Scheme 2023. Collection method: clinical testing. Allele origin: germline.
Comment: The p.L1040I variant (also known as c.3118C>A), located in coding exon 19 of the CFTR gene, results from a C to A substitution at nucleotide position 3118. The leucine at codon 1040 is replaced by isoleucine, an amino acid with highly similar properties. This amino acid position is conserved. In addition, the in silico prediction for this alteration is inconclusive. Based on the available evidence, the clinical significance of this variant remains unclear.

NM_000492.4(CFTR):c.3118C>A (p.Leu1040Ile)

Genes: CFTR-AS2 (CFTR antisense RNA 2; minus strand), CFTR (CF transmembrane conductance regulator; plus strand), LOC111674472 (DNase I hypersensitive sites in introns 16 and 17a of CFTR; plus strand). Cytogenetic location: 7q31.2.
Variant type: single nucleotide variant.
Coding change: c.3118C>A on transcript NM_000492.4 (MANE Select); coding-DNA position 3118, C replaced by A.
Protein change: p.Leu1040Ile; replaces leucine 1040 with isoleucine.
Molecular consequence: missense variant.
Genome position (GRCh38, 1-based): chr7:117,610,648, C>A. VCF-style: chr7-117610648-C-A. GRCh37 (hg19) VCF-style: chr7-117250702-C-A.
Other names: short protein forms L1040I.
Identifiers: ClinVar variation 3491624 (VCV003491624.1).